The following is an entry in ClinVar:

NM_018006.5(TRMU):c.773-2A>G

Gene: TRMU (tRNA mitochondrial 2-thiouridylase; plus strand). Cytogenetic location: 22q13.31.
Variant type: single nucleotide variant.
Coding change: c.773-2A>G on transcript NM_018006.5 (MANE Select); the canonical splice acceptor site of the intron before coding-DNA position 773, A replaced by G.
Molecular consequence: splice acceptor variant.
Genome position (GRCh38, 1-based): chr22:46,353,765, A>G. VCF-style: chr22-46353765-A-G. GRCh37 (hg19) VCF-style: chr22-46749662-A-G.
Other names: c.773-2A>G (NM_001282785.2); c.431-2A>G (NM_001282782.2); c.353-2A>G (NM_001282783.2, NM_001282784.2).
Identifiers: ClinVar variation 3345542 (VCV003345542.2).

ClinVar aggregate classification (germline): Likely pathogenic. Review status: criteria provided, single submitter (1 of 4 stars). 2 submissions from 2 submitters: Likely pathogenic (1). 1 of the submissions does not count toward it. Last evaluated 2024-06-23.

Conditions:
TRMU-related disorder. Also called: TRMU-related condition.
Acute infantile liver failure due to synthesis defect of mtDNA-encoded proteins. Also called: TRMU Deficiency; LIVER FAILURE, INFANTILE, TRANSIENT; Liver failure acute infantile. Identifiers: Orphanet 217371, MedGen C3278664, MONDO:0013111, OMIM 613070.
Aminoglycoside-induced deafness. Also called: DEAFNESS, STREPTOMYCIN-INDUCED; MT-RNR1-Related Hearing Loss and Deafness; STREPTOMYCIN OTOTOXICITY. Identifiers: Orphanet 168609, MedGen C1838854, MONDO:0010799, OMIM 580000.

Submissions (2):

Fulgent Genetics
Classification: Likely pathogenic for Aminoglycoside-induced deafness; Acute infantile liver failure due to synthesis defect of mtDNA-encoded proteins. Last evaluated: 2024-06-23. Review status: criteria provided, single submitter. Criteria: ACMG Guidelines, 2015. Collection method: clinical testing. Allele origin: germline.

PreventionGenetics, part of Exact Sciences
Classification: Likely pathogenic for TRMU-related condition. Last evaluated: 2024-04-19. Review status: no assertion criteria provided. Collection method: clinical testing. Allele origin: germline. Not counted in ClinVar's aggregate classification.
Comment: The TRMU c.773-2A>G variant is predicted to disrupt the AG splice acceptor site and interfere with normal splicing. To our knowledge, this variant has not been reported in the literature or in a large population database, indicating this variant is rare. Variants that disrupt the consensus splice acceptor site in TRMU are expected to be pathogenic. This variant is interpreted as likely pathogenic.